The following is an entry in ClinVar:

NM_176824.3(BBS7):c.308T>C (p.Phe103Ser)

Gene: BBS7 (Bardet-Biedl syndrome 7; minus strand). Cytogenetic location: 4q27.
Variant type: single nucleotide variant.
Coding change: c.308T>C on transcript NM_176824.3 (MANE Select); coding-DNA position 308, T replaced by C.
Protein change: p.Phe103Ser; replaces phenylalanine 103 with serine.
Molecular consequence: missense variant.
Genome position (GRCh38, 1-based): chr4:121,861,537, A>G on the plus strand (T>C on the coding strand, the complement: BBS7 is on the minus strand). VCF-style: chr4-121861537-A-G. GRCh37 (hg19) VCF-style: chr4-122782692-A-G.
Other names: c.308T>C, p.Phe103Ser (NM_018190.4); short protein forms F103S.
Identifiers: ClinVar variation 5000816 (VCV005000816.1).

ClinVar aggregate classification (germline): Uncertain significance (1 of 4 stars; one submission).

Conditions:
BBS7-related disorder. Also called: BBS7-related condition.

gnomAD v4.1: 1 of 1,613,722 alleles (0.000062%); highest among the groups gnomAD compares: Non-Finnish European, 0.000085%; no homozygotes.

Submission:

PreventionGenetics, part of Exact Sciences
Classification: Uncertain significance for BBS7-related condition. Last evaluated: 2025-04-15. Review status: criteria provided, single submitter. Criteria: ACMG Guidelines, 2015. Collection method: clinical testing. Allele origin: germline.
Comment: The BBS7 c.308T>C variant is predicted to result in the amino acid substitution p.Phe103Ser. To our knowledge, this variant has not been reported in the literature. This variant is reported in 0.00088% of alleles in individuals of European (Non-Finnish) descent in gnomAD. At this time, the clinical significance of this variant is uncertain due to the absence of conclusive functional and genetic evidence.